The following is an entry in ClinVar:

ClinVar aggregate classification (germline): Likely pathogenic (1 of 4 stars; one submission).

Conditions:
PDZD7-related disorder. Also called: PDZD7-related condition; PDZD7-related disorders.

Submission:

PreventionGenetics, part of Exact Sciences
Classification: Likely pathogenic for PDZD7-related condition. Last evaluated: 2024-12-06. Review status: criteria provided, single submitter. Criteria: ACMG Guidelines, 2015. Collection method: clinical testing. Allele origin: germline.
Comment: The PDZD7 c.1354delT variant is predicted to result in a frameshift and premature protein termination (p.Ser452Argfs*16). To our knowledge, this variant has not been reported in the literature or in a large population database (gnomAD), indicating this variant is rare. Frameshift variants in PDZD7 are expected to be pathogenic. This variant is interpreted as likely pathogenic.

NM_001195263.2(PDZD7):c.1354del (p.Ser452fs)

Gene: PDZD7 (PDZ domain containing 7; minus strand). Cytogenetic location: 10q24.31.
Variant type: Deletion.
Coding change: c.1354del on transcript NM_001195263.2 (MANE Select); coding-DNA position 1354, one base deleted (T; older notation c.1354delT).
Protein change: p.Ser452fs; shifts the reading frame from serine 452.
Molecular consequence: frameshift variant.
Genome position (GRCh38, 1-based): chr10:101,018,267, A deleted on the plus strand (T on the coding strand, the reverse complement: PDZD7 is on the minus strand). VCF-style (leftmost placement, unchanged base first): chr10-101018266-GA-G. GRCh37 (hg19) VCF-style: chr10-102778023-GA-G.
Other names: c.1382del, p.Val461fs (NM_001351044.2); c.1354del, p.Ser452fs (NM_001437429.1, NM_024895.5); short protein forms S452fs, V461fs.
Identifiers: ClinVar variation 5000573 (VCV005000573.1).